The following is an entry in ClinVar:

NM_080916.3(DGUOK):c.13C>T (p.Arg5Cys)

Genes: DGUOK (deoxyguanosine kinase; plus strand), LOC129934096 (ATAC-STARR-seq lymphoblastoid active region 16036; plus strand). Cytogenetic location: 2p13.1.
Variant type: single nucleotide variant.
Coding change: c.13C>T on transcript NM_080916.3 (MANE Select); coding-DNA position 13, C replaced by T.
Protein change: p.Arg5Cys; replaces arginine 5 with cysteine.
Molecular consequence: missense variant. On other transcripts: 5 prime UTR variant (4), non-coding transcript variant (6).
Genome position (GRCh38, 1-based): chr2:73,926,923, C>T. VCF-style: chr2-73926923-C-T. GRCh37 (hg19) VCF-style: chr2-74154050-C-T.
Other names: p.Arg5Cys; c.13C>T (NM_080916.1); c.13C>T, p.Arg5Cys (NM_001318859.2, NM_080918.3); c.-166C>T (NM_001318860.2, NM_001318863.2); c.-252C>T (NM_001318861.2, NM_001318862.2); short protein forms R5C.
Identifiers: ClinVar variation 1028542 (VCV001028542.6), dbSNP rs977157089, ClinGen allele CA50398055.

ClinVar aggregate classification (germline): Uncertain significance. Review status: criteria provided, multiple submitters, no conflicts (2 of 4 stars). 3 submissions from 3 submitters: Uncertain significance (3). Last evaluated 2025-08-25.

Conditions:
Inborn genetic diseases. Identifiers: MedGen C0950123, MeSH D030342.
Mitochondrial DNA depletion syndrome 3 (hepatocerebral type). Also called: Mitochondrial DNA depletion syndrome, hepatocerebral form due to DGUOK deficiency; Deoxyguanosine Kinase Deficiency; MITOCHONDRIAL DNA DEPLETION SYNDROME 3. Identifiers: Orphanet 279934, MedGen CN074093, MONDO:0009636, OMIM 251880.

Allele frequency attached by ClinVar (database versions not stated): gnomAD 0.00001; TOPMed 0.00001.

Submissions (3):

Ambry Genetics
Classification: Uncertain significance for Inborn genetic diseases. Last evaluated: 2025-08-25. Review status: criteria provided, single submitter. Criteria: Ambry Variant Classification Scheme 2023. Collection method: clinical testing. Allele origin: germline.

Mayo Clinic Laboratories, Mayo Clinic
Classification: Uncertain significance. Last evaluated: 2025-05-09. Review status: criteria provided, single submitter. Criteria: ACMG Guidelines, 2015. Collection method: clinical testing. Allele origin: germline. Observed: 1 variant allele.
Comment: PM2_supporting

Baylor Genetics
Classification: Uncertain significance for Mitochondrial DNA depletion syndrome 3 (hepatocerebral type). Last evaluated: 2019-02-01. Review status: criteria provided, single submitter. Criteria: ACMG Guidelines, 2015. Collection method: clinical testing. Allele origin: maternal. Affected: yes.
Comment: This variant was determined to be of uncertain significance according to ACMG Guidelines, 2015 [PMID:25741868].